The following is an entry in ClinVar:

ClinVar aggregate classification (germline): Likely benign (1 of 4 stars; one submission).

Allele frequency attached by ClinVar (database versions not stated): 1000 Genomes Project 30x 0.00359; 1000 Genomes Project 0.00419; gnomAD 0.00534; TOPMed 0.00576.
gnomAD v4.1: 821 of 152,100 alleles (0.54%); highest among the groups gnomAD compares: Non-Finnish European, 0.93%; 7 homozygotes.

Submission:

CeGaT Center for Human Genetics Tuebingen
Classification: Likely benign. Last evaluated: 2025-10-01. Review status: criteria provided, single submitter. Criteria: CeGaT Center For Human Genetics Tuebingen Variant Classification Criteria Version 2. Collection method: clinical testing. Allele origin: germline. Affected: yes. Observed: 8 variant alleles.
Comment: CWC27: BS2

NM_005869.4(CWC27):c.1257-20056G>A

Gene: CWC27 (CWC27 spliceosome associated cyclophilin; plus strand). Cytogenetic location: 5q12.3.
Variant type: single nucleotide variant.
Coding change: c.1257-20056G>A on transcript NM_005869.4 (MANE Select); 20056 bases into the intron before coding-DNA position 1257, G replaced by A.
Molecular consequence: intron variant.
Genome position (GRCh38, 1-based): chr5:64,998,103, G>A. VCF-style: chr5-64998103-G-A. GRCh37 (hg19) VCF-style: chr5-64293930-G-A.
Other names: c.1153-20056G>A (NM_001297644.1).
Identifiers: ClinVar variation 2655493 (VCV002655493.24), dbSNP rs71626565, ClinGen allele CA120339233.
Genomic context (GRCh38, chr5:64,998,103, plus strand): 5'-TGAATTCTAAACTCCCTGTCCAGTTCCTGAAGTCACCTCTTTTTCTTCCTTTTTCTTCAG[G>A]ATGAAGACAGCTCTTCTGTCTTAACCCTGCGCTTTCATATGGTTTGCCCTGAAATAAGTT-3'